The following is an entry in ClinVar:

ClinVar aggregate classification (germline): Uncertain significance (1 of 4 stars; one submission).

Submission:

Labcorp Genetics (formerly Invitae), Labcorp
Classification: Uncertain significance. Last evaluated: 2022-08-31. Review status: criteria provided, single submitter. Criteria: Invitae Variant Classification Sherloc (09022015). Collection method: clinical testing. Allele origin: germline.
Comment: In summary, the available evidence is currently insufficient to determine the role of this variant in disease. Therefore, it has been classified as a Variant of Uncertain Significance. Variants that disrupt the consensus splice site are a relatively common cause of aberrant splicing (PMID: 17576681, 9536098). Algorithms developed to predict the effect of sequence changes on RNA splicing suggest that this variant is not likely to affect RNA splicing. ClinVar contains an entry for this variant (Variation ID: 1378219). This variant has not been reported in the literature in individuals affected with CFD-related conditions. This variant is not present in population databases (gnomAD no frequency). This sequence change falls in intron 3 of the CFD gene. It does not directly change the encoded amino acid sequence of the CFD protein. It affects a nucleotide within the consensus splice site.

Literature cited by the submitters: PubMed 17576681; PubMed 9536098.

NM_001928.4(CFD):c.357+4G>T

Gene: CFD (complement factor D; plus strand). Cytogenetic location: 19p13.3.
Variant type: single nucleotide variant.
Coding change: c.357+4G>T on transcript NM_001928.4 (MANE Select); 4 bases into the intron after coding-DNA position 357, G replaced by T.
Molecular consequence: intron variant.
Genome position (GRCh38, 1-based): chr19:861,009, G>T. VCF-style: chr19-861009-G-T. GRCh37 (hg19) VCF-style: chr19-861009-G-T.
Other names: c.378+4G>T (NM_001317335.2).
Identifiers: ClinVar variation 1378219 (VCV001378219.6), dbSNP rs1394311747, ClinGen allele CA2573155745.